The following is an entry in ClinVar:

ClinVar aggregate classification (germline): Uncertain significance (1 of 4 stars; one submission).

Submission:

Labcorp Genetics (formerly Invitae), Labcorp
Classification: Uncertain significance. Last evaluated: 2022-02-01. Review status: criteria provided, single submitter. Criteria: Invitae Variant Classification Sherloc (09022015). Collection method: clinical testing. Allele origin: germline.
Comment: In summary, the available evidence is currently insufficient to determine the role of this variant in disease. Therefore, it has been classified as a Variant of Uncertain Significance. Advanced modeling of protein sequence and biophysical properties (such as structural, functional, and spatial information, amino acid conservation, physicochemical variation, residue mobility, and thermodynamic stability) performed at Invitae indicates that this missense variant is expected to disrupt MYO7A protein function. This variant has not been reported in the literature in individuals affected with MYO7A-related conditions. This variant is not present in population databases (gnomAD no frequency). This sequence change replaces glycine, which is neutral and non-polar, with tryptophan, which is neutral and slightly polar, at codon 200 of the MYO7A protein (p.Gly200Trp).

NM_000260.4(MYO7A):c.598G>T (p.Gly200Trp)

Gene: MYO7A (myosin VIIA; plus strand). Cytogenetic location: 11q13.5.
Variant type: single nucleotide variant.
Coding change: c.598G>T on transcript NM_000260.4 (MANE Select); coding-DNA position 598, G replaced by T.
Protein change: p.Gly200Trp; replaces glycine 200 with tryptophan.
Molecular consequence: missense variant.
Genome position (GRCh38, 1-based): chr11:77,156,867, G>T. VCF-style: chr11-77156867-G-T. GRCh37 (hg19) VCF-style: chr11-76867913-G-T.
Other names: c.598G>T, p.Gly200Trp (NM_001127180.2); c.565G>T, p.Gly189Trp (NM_001369365.1); short protein forms G200W, G189W.
Identifiers: ClinVar variation 1496338 (VCV001496338.6), dbSNP rs2135238264, ClinGen allele CA381932023.